The following is an entry in ClinVar:

ClinVar aggregate classification (germline): Uncertain significance. Review status: criteria provided, single submitter (1 of 4 stars). 2 submissions from 2 submitters: Uncertain significance (1). 1 of the submissions does not count toward it. Last evaluated 2025-06-19.

Conditions:
FOCAD-related disorder. Also called: FOCAD-related condition.
Liver disease, severe congenital (SCOLIV). Also called: FOCAD DEFICIENCY. Identifiers: MedGen C5774195, MONDO:0859273, OMIM 619991.

Allele frequency attached by ClinVar (database versions not stated): ESP Exome Variant Server 0.00008; TOPMed 0.00003; gnomAD 0.00004.
gnomAD v4.1: 35 of 1,603,360 alleles (0.0022%); highest among the groups gnomAD compares: Non-Finnish European, 0.0028%; no homozygotes.

Submissions (2):

Revvity Omics, Revvity
Classification: Uncertain significance for Liver disease, severe congenital. Last evaluated: 2025-06-19. Review status: criteria provided, single submitter. Criteria: ACMG Guidelines, 2015. Collection method: clinical testing. Allele origin: germline.

PreventionGenetics, part of Exact Sciences
Classification: Likely benign for FOCAD-related condition. Last evaluated: 2022-02-08. Review status: no assertion criteria provided. Collection method: clinical testing. Allele origin: germline. Not counted in ClinVar's aggregate classification.
Comment: This variant is classified as likely benign based on ACMG/AMP sequence variant interpretation guidelines (Richards et al. 2015 PMID: 25741868, with internal and published modifications).

NM_001375567.1(FOCAD):c.494+7T>C

Gene: FOCAD (focadhesin; plus strand). Cytogenetic location: 9p21.3.
Variant type: single nucleotide variant.
Coding change: c.494+7T>C on transcript NM_001375567.1 (MANE Select); 7 bases into the intron after coding-DNA position 494, T replaced by C.
Molecular consequence: intron variant.
Genome position (GRCh38, 1-based): chr9:20,758,198, T>C. VCF-style: chr9-20758198-T-C. GRCh37 (hg19) VCF-style: chr9-20758197-T-C.
Other names: c.494+7T>C (NM_017794.5, NM_001375568.1); c.389+7T>C (NM_001375570.1).
Identifiers: ClinVar variation 3031238 (VCV003031238.3), dbSNP rs369338363, ClinGen allele CA190558526.